The following is an entry in ClinVar:

ClinVar aggregate classification (germline): Uncertain significance. Review status: criteria provided, multiple submitters, no conflicts (2 of 4 stars). 2 submissions from 2 submitters: Uncertain significance (2). Last evaluated 2025-08-01.

Conditions:
Inborn genetic diseases. Identifiers: MedGen C0950123, MeSH D030342.
COG5-congenital disorder of glycosylation. Also called: CONGENITAL DISORDER OF GLYCOSYLATION, TYPE IIi; CDG IIi; COG5-CDG. Identifiers: Orphanet 263487, MedGen C3150876, MONDO:0013325, OMIM 613612.

Allele frequency attached by ClinVar (database versions not stated): gnomAD exomes below 0.00001; ExAC 0.00002; TOPMed 0.00006; gnomAD 0.00007; 1000 Genomes Project 30x 0.00016; 1000 Genomes Project 0.00020.
gnomAD v4.1: 16 of 1,583,064 alleles (0.001%); highest among the groups gnomAD compares: African/African-American, 0.02%; no homozygotes.

Submissions (2):

Ambry Genetics
Classification: Uncertain significance for Inborn genetic diseases. Last evaluated: 2025-08-01. Review status: criteria provided, single submitter. Criteria: Ambry Variant Classification Scheme 2023. Collection method: clinical testing. Allele origin: germline.

Labcorp Genetics (formerly Invitae), Labcorp
Classification: Uncertain significance for COG5-congenital disorder of glycosylation. Last evaluated: 2023-05-15. Review status: criteria provided, single submitter. Criteria: Invitae Variant Classification Sherloc (09022015). Collection method: clinical testing. Allele origin: germline.
Comment: In summary, the available evidence is currently insufficient to determine the role of this variant in disease. Therefore, it has been classified as a Variant of Uncertain Significance. An algorithm developed to predict the effect of missense changes on protein structure and function (PolyPhen-2) suggests that this variant¬† is likely to be tolerated. ClinVar contains an entry for this variant (Variation ID: 1916740). This variant has not been reported in the literature in individuals affected with COG5-related conditions. This variant is present in population databases (rs551337506, gnomAD 0.02%). This sequence change replaces proline, which is neutral and non-polar, with serine, which is neutral and polar, at codon 463 of the COG5 protein (p.Pro463Ser).

NM_006348.5(COG5):c.1294C>T (p.Pro432Ser)

Gene: COG5 (component of oligomeric golgi complex 5; minus strand). Cytogenetic location: 7q22.3.
Variant type: single nucleotide variant.
Coding change: c.1294C>T on transcript NM_006348.5 (MANE Select); coding-DNA position 1294, C replaced by T.
Protein change: p.Pro432Ser; replaces proline 432 with serine.
Molecular consequence: missense variant.
Genome position (GRCh38, 1-based): chr7:107,298,161, G>A on the plus strand (C>T on the coding strand, the complement: COG5 is on the minus strand). VCF-style: chr7-107298161-G-A. GRCh37 (hg19) VCF-style: chr7-106938606-G-A.
Other names: c.1387C>T (NM_006348.3); c.1294C>T, p.Pro432Ser (NM_001161520.2, NM_001379511.1, NM_001379512.1 and 3 more transcripts); c.724C>T, p.Pro242Ser (NM_001379515.1); c.580C>T, p.Pro194Ser (NM_001379516.1); short protein forms P432S, P194S, P242S.
Identifiers: ClinVar variation 1916740 (VCV001916740.4), dbSNP rs551337506, ClinGen allele CA4430959.